The following is an entry in ClinVar:

NM_001042492.3(NF1):c.4412A>C (p.Asn1471Thr)

Gene: NF1 (neurofibromin 1; plus strand). Cytogenetic location: 17q11.2.
Variant type: single nucleotide variant.
Coding change: c.4412A>C on transcript NM_001042492.3 (MANE Select); coding-DNA position 4412, A replaced by C.
Protein change: p.Asn1471Thr; replaces asparagine 1471 with threonine.
Molecular consequence: missense variant.
Genome position (GRCh38, 1-based): chr17:31,259,111, A>C. VCF-style: chr17-31259111-A-C. GRCh37 (hg19) VCF-style: chr17-29586129-A-C.
Other names: c.4349A>C, p.Asn1450Thr (NM_000267.4); short protein forms N1450T, N1471T.
Identifiers: ClinVar variation 1411203 (VCV001411203.6), dbSNP rs876658250, ClinGen allele CA398998956.

ClinVar aggregate classification (germline): Uncertain significance (1 of 4 stars; one submission).

Conditions:
Neurofibromatosis, type 1 (NF1). Also called: Peripheral type neurofibromatosis; Neurofibromatosis, type I; VON RECKLINGHAUSEN DISEASE; NEUROFIBROMATOSIS, TYPE I, SOMATIC. Identifiers: Orphanet 636, MedGen C0027831, MONDO:0018975, OMIM 162200. Disease mechanism: loss of function.

gnomAD v4.1: 2 of 1,602,478 alleles (0.00012%); no homozygotes.

Submission:

Labcorp Genetics (formerly Invitae), Labcorp
Classification: Uncertain significance for Neurofibromatosis, type 1. Last evaluated: 2025-03-31. Review status: criteria provided, single submitter. Criteria: Invitae Variant Classification Sherloc (09022015). Collection method: clinical testing. Allele origin: germline.
Comment: This sequence change replaces asparagine, which is neutral and polar, with threonine, which is neutral and polar, at codon 1450 of the NF1 protein (p.Asn1450Thr). This variant is not present in population databases (gnomAD no frequency). This variant has not been reported in the literature in individuals affected with NF1-related conditions. ClinVar contains an entry for this variant (Variation ID: 1411203). Invitae Evidence Modeling of protein sequence and biophysical properties (such as structural, functional, and spatial information, amino acid conservation, physicochemical variation, residue mobility, and thermodynamic stability) indicates that this missense variant is expected to disrupt NF1 protein function with a positive predictive value of 95%. In summary, the available evidence is currently insufficient to determine the role of this variant in disease. Therefore, it has been classified as a Variant of Uncertain Significance.